The following is an entry in ClinVar:

ClinVar aggregate classification (germline): Uncertain significance (1 of 4 stars; one submission).

Conditions:
Epilepsy. Also called: Seizure disorder. Identifiers: MedGen C0014544, MeSH D004827, MONDO:0005027.

Submission:

Labcorp Genetics (formerly Invitae), Labcorp
Classification: Uncertain significance for Epilepsy. Last evaluated: 2022-03-03. Review status: criteria provided, single submitter. Criteria: Invitae Variant Classification Sherloc (09022015). Collection method: clinical testing. Allele origin: germline.
Comment: This variant has not been reported in the literature in individuals affected with PIGQ-related conditions. This sequence change replaces serine, which is neutral and polar, with tryptophan, which is neutral and slightly polar, at codon 13 of the PIGQ protein (p.Ser13Trp). This variant is not present in population databases (gnomAD no frequency). ClinVar contains an entry for this variant (Variation ID: 937001). Algorithms developed to predict the effect of missense changes on protein structure and function are either unavailable or do not agree on the potential impact of this missense change (SIFT: "Tolerated"; PolyPhen-2: "Possibly Damaging"; Align-GVGD: "Class C0"). In summary, the available evidence is currently insufficient to determine the role of this variant in disease. Therefore, it has been classified as a Variant of Uncertain Significance.

NM_004204.5(PIGQ):c.38C>G (p.Ser13Trp)

Gene: PIGQ (phosphatidylinositol glycan anchor biosynthesis class Q; plus strand). Cytogenetic location: 16p13.3.
Variant type: single nucleotide variant.
Coding change: c.38C>G on transcript NM_004204.5 (MANE Select); coding-DNA position 38, C replaced by G.
Protein change: p.Ser13Trp; replaces serine 13 with tryptophan.
Molecular consequence: missense variant.
Genome position (GRCh38, 1-based): chr16:574,112, C>G. VCF-style: chr16-574112-C-G. GRCh37 (hg19) VCF-style: chr16-624112-C-G.
Other names: c.38C>G, p.Ser13Trp (NM_148920.4); short protein forms S13W.
Identifiers: ClinVar variation 937001 (VCV000937001.8), dbSNP rs755870667, ClinGen allele CA394044949.
Genomic context (GRCh38, chr16:574,112, plus strand): 5'-CTCTTCTCTTCCAGCCTCCCGGCATGGTGCTCAAGGCCTTCTTCCCCACGTGCTGCGTCT[C>G]GACGGACAGCGGGCTGCTGGTGGGACGGTGGGTGCCGGAGCAGAGCAGCGCCGTGGTCCT-3'
Protein context (NP_004195.2, residues 3-23): LKAFFPTCCV[Ser13Trp]TDSGLLVGRW